The following is an entry in ClinVar:

ClinVar aggregate classification (germline): Uncertain significance (1 of 4 stars; one submission).

Allele frequency attached by ClinVar (database versions not stated): gnomAD exomes 0.00001 and 0.00002; ExAC 0.00003.
gnomAD v4.1: 12 of 1,610,982 alleles (0.00074%); highest among the groups gnomAD compares: South Asian, 0.011%; no homozygotes.

Submission:

Labcorp Genetics (formerly Invitae), Labcorp
Classification: Uncertain significance. Last evaluated: 2022-08-09. Review status: criteria provided, single submitter. Criteria: Invitae Variant Classification Sherloc (09022015). Collection method: clinical testing. Allele origin: germline.
Comment: In summary, the available evidence is currently insufficient to determine the role of this variant in disease. Therefore, it has been classified as a Variant of Uncertain Significance. Algorithms developed to predict the effect of missense changes on protein structure and function are either unavailable or do not agree on the potential impact of this missense change (SIFT: "Deleterious"; PolyPhen-2: "Probably Damaging"; Align-GVGD: "Class C0"). ClinVar contains an entry for this variant (Variation ID: 1395125). This variant has not been reported in the literature in individuals affected with LRRC56-related conditions. This variant is present in population databases (rs777804958, gnomAD 0.02%). This sequence change replaces glycine, which is neutral and non-polar, with valine, which is neutral and non-polar, at codon 27 of the LRRC56 protein (p.Gly27Val).

NM_198075.4(LRRC56):c.80G>T (p.Gly27Val)

Gene: LRRC56 (leucine rich repeat containing 56; plus strand). Cytogenetic location: 11p15.5.
Variant type: single nucleotide variant.
Coding change: c.80G>T on transcript NM_198075.4 (MANE Select); coding-DNA position 80, G replaced by T.
Protein change: p.Gly27Val; replaces glycine 27 with valine.
Molecular consequence: missense variant.
Genome position (GRCh38, 1-based): chr11:540,764, G>T. VCF-style: chr11-540764-G-T. GRCh37 (hg19) VCF-style: chr11-540764-G-T.
Other names: short protein forms G27V.
Identifiers: ClinVar variation 1395125 (VCV001395125.8), dbSNP rs777804958, ClinGen allele CA5779491.